The following is an entry in ClinVar:

NM_017433.5(MYO3A):c.4302_4332del (p.Leu1435fs)

Gene: MYO3A (myosin IIIA; plus strand). Cytogenetic location: 10p12.1.
Variant type: Deletion.
Coding change: c.4302_4332del on transcript NM_017433.5 (MANE Select); coding-DNA positions 4302 to 4332, 31 bases deleted.
Protein change: p.Leu1435fs; shifts the reading frame from leucine 1435.
Molecular consequence: frameshift variant.
Genome position (GRCh38, 1-based): chr10:26,176,709-26,176,739, 31 bases deleted; deleting any 31 consecutive bases within chr10:26,176,706-26,176,739 gives the same sequence; the c. name uses the placement nearest the transcript's 3' end. GRCh37 (hg19): chr10:26,465,638-26,465,668.
Other names: short protein forms L1435fs.
Identifiers: ClinVar variation 3774654 (VCV003774654.3).

ClinVar aggregate classification (germline): Conflicting classifications of pathogenicity. Review status: criteria provided, conflicting classifications (1 of 4 stars). 2 submissions from 2 submitters: Likely pathogenic (1); Uncertain significance (1). Last evaluated 2024-09-26.

Conditions:
Autosomal recessive nonsyndromic hearing loss 30. Identifiers: Orphanet 90636, MedGen C1846784, MONDO:0011774, OMIM 607101.

Submissions (2):

GeneDx
Classification: Uncertain significance. Last evaluated: 2024-09-26. Review status: criteria provided, single submitter. Criteria: GeneDx Variant Classification Process June 2021. Collection method: clinical testing. Allele origin: germline. Affected: yes.
Comment: Frameshift variant predicted to result in protein truncation or nonsense mediated decay in a gene for which loss of function is a known mechanism of disease; Has not been previously published as pathogenic or benign to our knowledge

Juno Genomics, Hangzhou Juno Genomics, Inc
Classification: Likely pathogenic for Autosomal recessive nonsyndromic hearing loss 30. Review status: criteria provided, single submitter. Criteria: ACMG Guidelines, 2015. Collection method: clinical testing. Allele origin: germline.
Comment: Absent from controls (or at extremely low frequency if recessive) in Genome Aggregation Database.;Null variant in a gene where loss of function (LOF) is a known mechanism of disease.